The following is an entry in ClinVar:

ClinVar aggregate classification (germline): Uncertain significance (1 of 4 stars; one submission).

Conditions:
Familial thoracic aortic aneurysm and aortic dissection (TAAD). Also called: Thoracic aortic aneurysms and dissections. Identifiers: Orphanet 91387, MedGen C4707243, MONDO:0019625.

Submission:

Labcorp Genetics (formerly Invitae), Labcorp
Classification: Uncertain significance for Familial thoracic aortic aneurysm and aortic dissection. Last evaluated: 2024-01-02. Review status: criteria provided, single submitter. Criteria: Invitae Variant Classification Sherloc (09022015). Collection method: clinical testing. Allele origin: germline.
Comment: This sequence change replaces isoleucine, which is neutral and non-polar, with leucine, which is neutral and non-polar, at codon 303 of the TGFBR1 protein (p.Ile303Leu). This variant is not present in population databases (gnomAD no frequency). This variant has not been reported in the literature in individuals affected with TGFBR1-related conditions. Advanced modeling of protein sequence and biophysical properties (such as structural, functional, and spatial information, amino acid conservation, physicochemical variation, residue mobility, and thermodynamic stability) performed at Invitae indicates that this missense variant is not expected to disrupt TGFBR1 protein function with a negative predictive value of 80%. In summary, the available evidence is currently insufficient to determine the role of this variant in disease. Therefore, it has been classified as a Variant of Uncertain Significance.

NM_004612.4(TGFBR1):c.907A>T (p.Ile303Leu)

Gene: TGFBR1 (transforming growth factor beta receptor 1; plus strand). Cytogenetic location: 9q22.33.
Variant type: single nucleotide variant.
Coding change: c.907A>T on transcript NM_004612.4 (MANE Select); coding-DNA position 907, A replaced by T.
Protein change: p.Ile303Leu; replaces isoleucine 303 with leucine.
Molecular consequence: missense variant. On other transcripts: non-coding transcript variant (4), intron variant (2).
Genome position (GRCh38, 1-based): chr9:99,142,637, A>T. VCF-style: chr9-99142637-A-T. GRCh37 (hg19) VCF-style: chr9-101904919-A-T.
Other names: c.676A>T, p.Ile226Leu (NM_001130916.3, NM_001407435.1); c.919A>T, p.Ile307Leu (NM_001306210.2); c.712A>T, p.Ile238Leu (NM_001407418.1, NM_001407419.1, NM_001407420.1 and 1 more transcripts); c.700A>T, p.Ile234Leu (NM_001407423.1, NM_001407424.1, NM_001407425.1 and 8 more transcripts); c.661A>T, p.Ile221Leu (NM_001407436.1); c.199A>T, p.Ile67Leu (NM_001407437.1); c.430A>T, p.Ile144Leu (NM_001407438.1); c.818-2095A>T (NM_001407416.1); and 1 more; short protein forms I234L, I144L, I238L, I67L, I226L, I221L, I303L, I307L.
Identifiers: ClinVar variation 2707020 (VCV002707020.3), dbSNP rs2490224089, ClinGen allele CA374230710.
Genomic context (GRCh38, chr9:99,142,637, plus strand): 5'-CATGAGCATGGATCCCTTTTTGATTACTTAAACAGATACACAGTTACTGTGGAAGGAATG[A>T]TAAAACTTGCTCTGTCCACGGCGAGCGGTCTTGCCCATCTTCACATGGAGATTGTTGGTA-3'
Protein context (NP_004603.1, residues 293-313): NRYTVTVEGM[Ile303Leu]KLALSTASGL